The following is an entry in ClinVar:

ClinVar aggregate classification (germline): Uncertain significance. Review status: criteria provided, multiple submitters, no conflicts (2 of 4 stars). 2 submissions from 2 submitters: Uncertain significance (2). Last evaluated 2025-11-23.

Conditions:
Hereditary cancer-predisposing syndrome. Also called: Hereditary neoplastic syndrome; Tumor predisposition; Neoplastic Syndromes, Hereditary; Hereditary Cancer Syndrome. Identifiers: Orphanet 140162, MedGen C0027672, MeSH D009386, MONDO:0015356.
Oligodontia-cancer predisposition syndrome. Also called: TOOTH AGENESIS-COLORECTAL CANCER SYNDROME. Identifiers: Orphanet 300576, MedGen C1837750, MONDO:0012075, OMIM 608615. Disease mechanism: loss of function.

Submissions (2):

Labcorp Genetics (formerly Invitae), Labcorp
Classification: Uncertain significance for Oligodontia-cancer predisposition syndrome. Last evaluated: 2025-11-23. Review status: criteria provided, single submitter. Criteria: Invitae Variant Classification Sherloc (09022015). Collection method: clinical testing. Allele origin: germline.
Comment: This sequence change replaces alanine, which is neutral and non-polar, with serine, which is neutral and polar, at codon 605 of the AXIN2 protein (p.Ala605Ser). This variant is present in population databases (rs763417360, gnomAD 0.0009%). This variant has not been reported in the literature in individuals affected with AXIN2-related conditions. ClinVar contains an entry for this variant (Variation ID: 1505573). An algorithm developed to predict the effect of missense changes on protein structure and function outputs the following: PolyPhen-2: "Benign". The serine amino acid residue is found in multiple mammalian species, which suggests that this missense change does not adversely affect protein function. In summary, the available evidence is currently insufficient to determine the role of this variant in disease. Therefore, it has been classified as a Variant of Uncertain Significance.

Ambry Genetics
Classification: Uncertain significance for Hereditary cancer-predisposing syndrome. Last evaluated: 2024-11-03. Review status: criteria provided, single submitter. Criteria: Ambry Variant Classification Scheme 2023. Collection method: clinical testing. Allele origin: germline.
Comment: The p.A605S variant (also known as c.1813G>T), located in coding exon 6 of the AXIN2 gene, results from a G to T substitution at nucleotide position 1813. The alanine at codon 605 is replaced by serine, an amino acid with similar properties. This amino acid position is conserved. In addition, this alteration is predicted to be tolerated by in silico analysis. Based on the available evidence, the clinical significance of this variant remains unclear.

NM_004655.4(AXIN2):c.1813G>T (p.Ala605Ser)

Gene: AXIN2 (axin 2; minus strand). Cytogenetic location: 17q24.1.
Variant type: single nucleotide variant.
Coding change: c.1813G>T on transcript NM_004655.4 (MANE Select); coding-DNA position 1813, G replaced by T.
Protein change: p.Ala605Ser; replaces alanine 605 with serine.
Molecular consequence: missense variant. On other transcripts: intron variant (1).
Genome position (GRCh38, 1-based): chr17:65,536,963, C>A on the plus strand (G>T on the coding strand, the complement: AXIN2 is on the minus strand). VCF-style: chr17-65536963-C-A. GRCh37 (hg19) VCF-style: chr17-63533081-C-A.
Other names: c.1712+361G>T (NM_001363813.1); c.1813G>T (NM_004655.3); short protein forms A605S.
Identifiers: ClinVar variation 1505573 (VCV001505573.9), dbSNP rs763417360, ClinGen allele CA8718522.